The following is an entry in ClinVar:

ClinVar aggregate classification (germline): Uncertain significance (1 of 4 stars; one submission).

gnomAD v4.1: 38 of 1,604,194 alleles (0.0024%); highest among the groups gnomAD compares: South Asian, 0.041%; no homozygotes.

Submission:

CeGaT Center for Human Genetics Tuebingen
Classification: Uncertain significance. Last evaluated: 2024-08-01. Review status: criteria provided, single submitter. Criteria: CeGaT Center For Human Genetics Tuebingen Variant Classification Criteria Version 2. Collection method: clinical testing. Allele origin: germline. Affected: yes. Observed: 1 variant allele.
Comment: SLC24A5: PM2, PM3:Supporting, BP4

NM_205850.3(SLC24A5):c.489+4T>C

Gene: SLC24A5 (solute carrier family 24 member 5; plus strand). Cytogenetic location: 15q21.1.
Variant type: single nucleotide variant.
Coding change: c.489+4T>C on transcript NM_205850.3 (MANE Select); 4 bases into the intron after coding-DNA position 489, T replaced by C.
Molecular consequence: intron variant.
Genome position (GRCh38, 1-based): chr15:48,134,542, T>C. VCF-style: chr15-48134542-T-C. GRCh37 (hg19) VCF-style: chr15-48426739-T-C.
Identifiers: ClinVar variation 3342109 (VCV003342109.16).
Genomic context (GRCh38, chr15:48,134,542, plus strand): 5'-TCTGCAATTTATAATCTCCTTGGCATCTGTGCTGCCTGTGGTTTGCTATCTAATACGGTA[T>C]GTAACAAAACCATTCAACAAAATGTATTGTCTTAAAAAATTCTAAAGATAACTGTTCGTC-3'